The following is an entry in ClinVar:

NM_206933.4(USH2A):c.14593C>T (p.Gln4865Ter)

Gene: USH2A (usherin; minus strand). Cytogenetic location: 1q41.
Variant type: single nucleotide variant.
Coding change: c.14593C>T on transcript NM_206933.4 (MANE Select); coding-DNA position 14593, C replaced by T.
Protein change: p.Gln4865Ter; replaces glutamine 4865 with a stop codon.
Molecular consequence: nonsense.
Genome position (GRCh38, 1-based): chr1:215,647,720, G>A on the plus strand (C>T on the coding strand, the complement: USH2A is on the minus strand). VCF-style: chr1-215647720-G-A. GRCh37 (hg19) VCF-style: chr1-215821062-G-A.
Other names: short protein forms Q4865*.
Identifiers: ClinVar variation 5014007 (VCV005014007.1).

ClinVar aggregate classification (germline): Pathogenic (1 of 4 stars; one submission).

Conditions:
USH2A-related disorder. Also called: USH2A-related condition; USH2A-related disorders. Identifiers: MedGen CN239332.

Submission:

Myriad Genetics, Inc.
Classification: Pathogenic for USH2A-related disorder. Last evaluated: 2025-01-23. Review status: criteria provided, single submitter. Criteria: Myriad Autosomal Dominant, Autosomal Recessive and X-Linked Classification Criteria (2023). Collection method: clinical testing. Allele origin: unknown.
Comment: NM_206933.2(USH2A):c.14593C>T(Q4865*) is expected to be pathogenic in the context of USH2A-related disorders. This variant is predicted to lead to an abnormal or absent protein product due to the creation of a premature termination codon in USH2A, a gene where loss-of-function variants are known to be pathogenic. Please note: this variant was assessed in the context of healthy population screening.